The following is an entry in ClinVar:

NM_012062.5(DNM1L):c.251-5dup

Gene: DNM1L (dynamin 1 like; plus strand). Cytogenetic location: 12p11.21.
Variant type: Duplication.
Coding change: c.251-5dup on transcript NM_012062.5 (MANE Select); 5 bases into the intron before coding-DNA position 251, one base duplicated (T; older notation c.251-5dupT).
Molecular consequence: intron variant.
Genome position (GRCh38, 1-based): chr12:32,707,362, T duplicated; the last of 6 consecutive T bases (chr12:32,707,357-32,707,362); duplicating any one gives the same sequence. VCF-style (leftmost placement, unchanged base first): chr12-32707356-C-CT. GRCh37 (hg19) VCF-style: chr12-32860290-C-CT.
Other names: c.290-5dup (NM_001278464.2, NM_001278465.2, NM_001330380.2); c.85-5dup (NM_001278466.2); c.251-5dup (NM_001278463.2, NM_012063.4, NM_005690.5); c.251-5dupT (NM_012062.5).
Identifiers: ClinVar variation 1598757 (VCV001598757.10), dbSNP rs1188011409, ClinGen allele CA604223749.

ClinVar aggregate classification (germline): Benign/Likely benign. Review status: criteria provided, multiple submitters, no conflicts (2 of 4 stars). 2 submissions from 2 submitters: Benign (1); Likely benign (1). Last evaluated 2025-04-30.

Submissions (2):

Women's Health and Genetics/Laboratory Corporation of America, LabCorp
Classification: Likely benign. Last evaluated: 2025-04-30. Review status: criteria provided, single submitter. Criteria: LabCorp Variant Classification Summary - May 2015. Collection method: clinical testing. Allele origin: germline.
Comment: Variant summary: DNM1L c.251-5dupT alters a non-conserved nucleotide located at a position not widely known to affect splicing. Consensus agreement among computation tools predict no significant impact on normal splicing. However, these predictions have yet to be confirmed by functional studies. The frequency data for this variant in gnomAD is considered unreliable, as metrics indicate poor data quality at this position. To our knowledge, no occurrence of c.251-5dupT in individuals affected with Encephalopathy, Lethal, Due To Defective Mitochondrial Peroxisomal Fission 1, Autosomal Recessive and no experimental evidence demonstrating its impact on protein function have been reported. ClinVar contains an entry for this variant (Variation ID: 1598757). Based on the evidence outlined above, the variant was classified as likely benign.

Labcorp Genetics (formerly Invitae), Labcorp
Classification: Benign. Last evaluated: 2024-05-15. Review status: criteria provided, single submitter. Criteria: Invitae Variant Classification Sherloc (09022015). Collection method: clinical testing. Allele origin: germline.